The following is an entry in ClinVar:

NM_000535.7(PMS2):c.2547C>A (p.Thr849=)

Gene: PMS2 (PMS1 homolog 2, mismatch repair system component; minus strand). Cytogenetic location: 7p22.1.
Variant type: single nucleotide variant.
Coding change: c.2547C>A on transcript NM_000535.7 (MANE Select); coding-DNA position 2547, C replaced by A.
Protein change: p.Thr849=; no amino-acid change (threonine 849 retained).
Molecular consequence: synonymous variant. On other transcripts: non-coding transcript variant (1).
Genome position (GRCh38, 1-based): chr7:5,973,441, G>T on the plus strand (C>A on the coding strand, the complement: PMS2 is on the minus strand). VCF-style: chr7-5973441-G-T. GRCh37 (hg19) VCF-style: chr7-6013072-G-T.
Other names: c.2142C>A, p.Thr714= (NM_001322003.2, NM_001322004.2, NM_001322005.2 and 11 more transcripts); c.2391C>A, p.Thr797= (NM_001322006.2); c.2229C>A, p.Thr743= (NM_001322007.2, NM_001322008.2, NM_001406883.1); c.2175C>A, p.Thr725= (NM_001322009.2, NM_001406887.1, NM_001406888.1); c.1986C>A, p.Thr662= (NM_001322010.2, NM_001406906.1, NM_001406907.1); c.1614C>A, p.Thr538= (NM_001322011.2, NM_001322012.2); c.1974C>A, p.Thr658= (NM_001322013.2, NM_001406908.1, NM_001406909.1); c.2580C>A, p.Thr860= (NM_001322014.2); and 20 more.
Identifiers: ClinVar variation 3903917 (VCV003903917.1).

ClinVar aggregate classification (germline): Benign (1 of 4 stars; one submission).

Conditions:
Lynch syndrome 4 (LYNCH4). Also called: Colorectal cancer, hereditary nonpolyposis, type 4; Hereditary non-polyposis colorectal cancer, type 4. Identifiers: Orphanet 144, MedGen C1838333, MONDO:0013699, OMIM 614337. Disease mechanism: loss of function.

Submission:

Myriad Genetics, Inc.
Classification: Benign for Lynch syndrome 4. Last evaluated: 2025-02-04. Review status: criteria provided, single submitter. Criteria: Myriad Autosomal Dominant, Autosomal Recessive and X-Linked Classification Criteria (2023). Collection method: clinical testing. Allele origin: unknown.
Comment: This variant is considered benign. This variant is a silent/synonymous amino acid change and it is not expected to impact splicing.